The following is an entry in ClinVar:

ClinVar aggregate classification (germline): Uncertain significance (1 of 4 stars; one submission).

Submission:

Dasa
Classification: Uncertain significance. Last evaluated: 2025-07-08. Review status: criteria provided, single submitter. Criteria: DASA Assertion Criteria. Collection method: clinical testing. Allele origin: germline.
Comment: NM_006282.5(STK4):c.358A>G (p.Thr120Ala) is a missense variant that results in the substitution of threonine with alanine. This variant is absent from population databases. Computational prediction algorithms are consistent with a benign effect. The currently available literature and clinical evidence are not sufficient to establish a definitive association between this variant and the reported condition. Therefore, this variant is classified as a variant of uncertain significance.

NM_006282.5(STK4):c.358A>G (p.Thr120Ala)

Gene: STK4 (serine/threonine kinase 4; plus strand). Cytogenetic location: 20q13.12.
Variant type: single nucleotide variant.
Coding change: c.358A>G on transcript NM_006282.5 (MANE Select); coding-DNA position 358, A replaced by G.
Protein change: p.Thr120Ala; replaces threonine 120 with alanine.
Molecular consequence: missense variant.
Genome position (GRCh38, 1-based): chr20:44,981,941, A>G. VCF-style: chr20-44981941-A-G. GRCh37 (hg19) VCF-style: chr20-43610582-A-G.
Other names: c.358A>G, p.Thr120Ala (NM_001352385.2); short protein forms T120A.
Identifiers: ClinVar variation 4886162 (VCV004886162.2).